The following is an entry in ClinVar:

NM_000257.4(MYH7):c.1948C>A (p.Leu650Met)

Gene: MYH7 (myosin heavy chain 7; minus strand). Cytogenetic location: 14q11.2.
Variant type: single nucleotide variant.
Coding change: c.1948C>A on transcript NM_000257.4 (MANE Select); coding-DNA position 1948, C replaced by A.
Protein change: p.Leu650Met; replaces leucine 650 with methionine.
Molecular consequence: missense variant.
Genome position (GRCh38, 1-based): chr14:23,427,248, G>T on the plus strand (C>A on the coding strand, the complement: MYH7 is on the minus strand). VCF-style: chr14-23427248-G-T. GRCh37 (hg19) VCF-style: chr14-23896457-G-T.
Other names: p.Leu650Met; short protein forms L650M.
Identifiers: ClinVar variation 1694094 (VCV001694094.8), dbSNP rs1892728965, ClinGen allele CA389049473.

ClinVar aggregate classification (germline): Uncertain significance. Review status: criteria provided, multiple submitters, no conflicts (2 of 4 stars). 3 submissions from 3 submitters: Uncertain significance (3). Last evaluated 2023-12-29.

Conditions:
Cardiovascular phenotype. Identifiers: MedGen CN230736.
Hypertrophic cardiomyopathy. Also called: HYPERTROPHIC MYOCARDIOPATHY. Identifiers: Orphanet 217569, MedGen C0007194, MeSH D002312, MONDO:0005045, HP:0001639.

Allele frequency attached by ClinVar (database versions not stated): gnomAD 0.00001.
gnomAD v4.1: 1 of 1,613,796 alleles (0.000062%); highest among the groups gnomAD compares: Admixed American, 0.0017%; no homozygotes.

Submissions (3):

Ambry Genetics
Classification: Uncertain significance for Cardiovascular phenotype. Last evaluated: 2023-12-29. Review status: criteria provided, single submitter. Criteria: Ambry Variant Classification Scheme 2023. Collection method: clinical testing. Allele origin: germline.
Comment: The p.L650M variant (also known as c.1948C>A), located in coding exon 15 of the MYH7 gene, results from a C to A substitution at nucleotide position 1948. The leucine at codon 650 is replaced by methionine, an amino acid with highly similar properties. This amino acid position is well conserved in available vertebrate species. In addition, this alteration is predicted to be tolerated by in silico analysis. Since supporting evidence is limited at this time, the clinical significance of this alteration remains unclear.

Labcorp Genetics (formerly Invitae), Labcorp
Classification: Uncertain significance for Hypertrophic cardiomyopathy. Last evaluated: 2023-03-20. Review status: criteria provided, single submitter. Criteria: Invitae Variant Classification Sherloc (09022015). Collection method: clinical testing. Allele origin: germline.
Comment: This sequence change replaces leucine, which is neutral and non-polar, with methionine, which is neutral and non-polar, at codon 650 of the MYH7 protein (p.Leu650Met). In summary, the available evidence is currently insufficient to determine the role of this variant in disease. Therefore, it has been classified as a Variant of Uncertain Significance. Advanced modeling of protein sequence and biophysical properties (such as structural, functional, and spatial information, amino acid conservation, physicochemical variation, residue mobility, and thermodynamic stability) performed at Invitae indicates that this missense variant is expected to disrupt MYH7 protein function. ClinVar contains an entry for this variant (Variation ID: 1694094). This variant has not been reported in the literature in individuals affected with MYH7-related conditions. This variant is not present in population databases (gnomAD no frequency).

Mayo Clinic Laboratories, Mayo Clinic
Classification: Uncertain significance. Last evaluated: 2021-07-13. Review status: criteria provided, single submitter. Criteria: ACMG Guidelines, 2015. Collection method: clinical testing. Allele origin: germline.